The following is an entry in ClinVar:

NM_002480.3(PPP1R12A):c.2971G>T (p.Glu991Ter)

Genes: PPP1R12A (protein phosphatase 1 regulatory subunit 12A; minus strand), PPP1R12A-AS2 (PPP1R12A antisense RNA 2; plus strand). Cytogenetic location: 12q21.2.
Variant type: single nucleotide variant.
Coding change: c.2971G>T on transcript NM_002480.3 (MANE Select); coding-DNA position 2971, G replaced by T.
Protein change: p.Glu991Ter; replaces glutamic acid 991 with a stop codon.
Molecular consequence: nonsense. On other transcripts: non-coding transcript variant (1).
Genome position (GRCh38, 1-based): chr12:79,778,585, C>A on the plus strand (G>T on the coding strand, the complement: PPP1R12A is on the minus strand). VCF-style: chr12-79778585-C-A. GRCh37 (hg19) VCF-style: chr12-80172365-C-A.
Other names: c.2971G>T, p.Glu991Ter (NM_001143885.2); c.2710G>T, p.Glu904Ter (NM_001143886.2); c.2866G>T, p.Glu956Ter (NM_001244990.2); c.2803G>T, p.Glu935Ter (NM_001244992.1); short protein forms E904*, E935*, E956*, E991*.
Identifiers: ClinVar variation 5040524 (VCV005040524.1).

ClinVar aggregate classification (germline): Uncertain significance (1 of 4 stars; one submission).

Submission:

CeGaT Center for Human Genetics Tuebingen
Classification: Uncertain significance. Last evaluated: 2026-08-01. Review status: criteria provided, single submitter. Criteria: CeGaT Center For Human Genetics Tuebingen Variant Classification Criteria Version 2. Collection method: clinical testing. Allele origin: germline. Affected: yes. Observed: 1 variant allele.
Comment: PPP1R12A: PM2, PVS1:Moderate